The following is an entry in ClinVar:

NM_001105206.3(LAMA4):c.2769C>T (p.Pro923=)

Genes: LAMA4 (laminin subunit alpha 4; minus strand), LOC126859766 (MED14-independent group 3 enhancer GRCh37_chr6:112462018-112463217; plus strand). Cytogenetic location: 6q21.
Variant type: single nucleotide variant.
Coding change: c.2769C>T on transcript NM_001105206.3 (MANE Select); coding-DNA position 2769, C replaced by T.
Protein change: p.Pro923=; no amino-acid change (proline 923 retained).
Molecular consequence: synonymous variant.
Genome position (GRCh38, 1-based): chr6:112,141,402, G>A on the plus strand (C>T on the coding strand, the complement: LAMA4 is on the minus strand). VCF-style: chr6-112141402-G-A. GRCh37 (hg19) VCF-style: chr6-112462604-G-A.
Other names: c.2748C>T, p.Pro916= (NM_001105207.3, NM_002290.5).
Identifiers: ClinVar variation 541229 (VCV000541229.17), dbSNP rs782151816, ClinGen allele CA3965390.
Genomic context (GRCh38, chr6:112,141,402, plus strand): 5'-CATGGATTCACTGTACCTTTCAATCTTGACAATGCTGAAGTAAGCAGGCCAGGAACTGAC[G>A]GGCTTGGAGTCCAGGGGAATCTCCACATCTTTAGTTCCCAAATTATAGACGTATACCAGA-3'
Protein context (NP_001098676.2, residues 913-933): KDVEIPLDSK[Pro923=]VSSWPAYFSI

ClinVar aggregate classification (germline): Likely benign. Review status: criteria provided, multiple submitters, no conflicts (2 of 4 stars). 5 submissions from 5 submitters: Likely benign (4). 1 of the submissions does not count toward it. Last evaluated 2026-01-02.

Conditions:
Cardiovascular phenotype. Identifiers: MedGen CN230736.
Dilated cardiomyopathy 1JJ (CMD1JJ). Identifiers: Orphanet 154, MedGen C3808935, MONDO:0014095, OMIM 615235.
LAMA4-related disorder. Also called: LAMA4-related condition.

Allele frequency attached by ClinVar (database versions not stated): gnomAD exomes 0.00002 and 0.00010; ExAC 0.00004; gnomAD 0.00009 and 0.00011; TOPMed 0.00011.
gnomAD v4.1: 50 of 1,613,904 alleles (0.0031%); highest among the groups gnomAD compares: East Asian, 0.04%; no homozygotes.

Submissions (5):

Labcorp Genetics (formerly Invitae), Labcorp
Classification: Likely benign for Dilated cardiomyopathy 1JJ. Last evaluated: 2026-01-02. Review status: criteria provided, single submitter. Criteria: Invitae Variant Classification Sherloc (09022015). Collection method: clinical testing. Allele origin: germline.

GeneDx
Classification: Likely benign. Last evaluated: 2020-12-29. Review status: criteria provided, single submitter. Criteria: GeneDx Variant Classification Process June 2021. Collection method: clinical testing. Allele origin: germline. Affected: yes.

Ambry Genetics
Classification: Likely benign for Cardiovascular phenotype. Last evaluated: 2019-08-02. Review status: criteria provided, single submitter. Criteria: Ambry Variant Classification Scheme 2023. Collection method: clinical testing. Allele origin: germline.

Breakthrough Genomics
Classification: Likely benign. Review status: criteria provided, single submitter. Criteria: ACMG Guidelines, 2015. Collection method: not provided. Allele origin: germline. Inheritance: Autosomal dominant inheritance. Affected: yes.

PreventionGenetics, part of Exact Sciences
Classification: Likely benign for LAMA4-related condition. Last evaluated: 2019-09-17. Review status: no assertion criteria provided. Collection method: clinical testing. Allele origin: germline. Not counted in ClinVar's aggregate classification.
Comment: This variant is classified as likely benign based on ACMG/AMP sequence variant interpretation guidelines (Richards et al. 2015 PMID: 25741868, with internal and published modifications).